The following is an entry in ClinVar:

NM_004380.3(CREBBP):c.3151A>G (p.Lys1051Glu)

Gene: CREBBP (CREB binding lysine acetyltransferase; minus strand). Cytogenetic location: 16p13.3.
Variant type: single nucleotide variant.
Coding change: c.3151A>G on transcript NM_004380.3 (MANE Select); coding-DNA position 3151, A replaced by G.
Protein change: p.Lys1051Glu; replaces lysine 1051 with glutamic acid.
Molecular consequence: missense variant.
Genome position (GRCh38, 1-based): chr16:3,767,819, T>C on the plus strand (A>G on the coding strand, the complement: CREBBP is on the minus strand). VCF-style: chr16-3767819-T-C. GRCh37 (hg19) VCF-style: chr16-3817820-T-C.
Other names: c.3037A>G, p.Lys1013Glu (NM_001079846.1); short protein forms K1013E, K1051E.
Identifiers: ClinVar variation 2131578 (VCV002131578.4), dbSNP rs2548407393, ClinGen allele CA394570763.

ClinVar aggregate classification (germline): Uncertain significance (1 of 4 stars; one submission).

Conditions:
Rubinstein-Taybi syndrome (RSTS). Identifiers: Orphanet 783, MedGen C0035934, MONDO:0019188.

gnomAD v4.1: 1 of 1,614,234 alleles (0.000062%); no homozygotes.

Submission:

Labcorp Genetics (formerly Invitae), Labcorp
Classification: Uncertain significance for Rubinstein-Taybi syndrome. Last evaluated: 2024-10-22. Review status: criteria provided, single submitter. Criteria: Invitae Variant Classification Sherloc (09022015). Collection method: clinical testing. Allele origin: germline.
Comment: This sequence change replaces lysine, which is basic and polar, with glutamic acid, which is acidic and polar, at codon 1051 of the CREBBP protein (p.Lys1051Glu). This variant is not present in population databases (gnomAD no frequency). This variant has not been reported in the literature in individuals affected with CREBBP-related conditions. ClinVar contains an entry for this variant (Variation ID: 2131578). Invitae Evidence Modeling of protein sequence and biophysical properties (such as structural, functional, and spatial information, amino acid conservation, physicochemical variation, residue mobility, and thermodynamic stability) indicates that this missense variant is not expected to disrupt CREBBP protein function with a negative predictive value of 95%. In summary, the available evidence is currently insufficient to determine the role of this variant in disease. Therefore, it has been classified as a Variant of Uncertain Significance.